The following is an entry in ClinVar:

NM_015570.4(AUTS2):c.1972T>C (p.Trp658Arg)

Gene: AUTS2 (activator of transcription and developmental regulator AUTS2; plus strand). Cytogenetic location: 7q11.22.
Variant type: single nucleotide variant.
Coding change: c.1972T>C on transcript NM_015570.4 (MANE Select); coding-DNA position 1972, T replaced by C.
Protein change: p.Trp658Arg; replaces tryptophan 658 with arginine.
Molecular consequence: missense variant.
Genome position (GRCh38, 1-based): chr7:70,777,142, T>C. VCF-style: chr7-70777142-T-C. GRCh37 (hg19) VCF-style: chr7-70242128-T-C.
Other names: c.1900T>C, p.Trp634Arg (NM_001127231.3); short protein forms W634R, W658R.
Identifiers: ClinVar variation 3373052 (VCV003373052.1).

ClinVar aggregate classification (germline): Uncertain significance (1 of 4 stars; one submission).

Submission:

GeneDx
Classification: Uncertain significance. Last evaluated: 2024-05-03. Review status: criteria provided, single submitter. Criteria: GeneDx Variant Classification Process June 2021. Collection method: clinical testing. Allele origin: germline. Affected: yes.
Comment: Not observed at significant frequency in large population cohorts (gnomAD); In silico analysis supports that this missense variant has a deleterious effect on protein structure/function; Has not been previously published as pathogenic or benign to our knowledge